The following is an entry in ClinVar:

ClinVar aggregate classification (germline): Likely benign. Review status: criteria provided, multiple submitters, no conflicts (2 of 4 stars). 3 submissions from 3 submitters: Likely benign (3). Last evaluated 2026-05-01.

Allele frequency attached by ClinVar (database versions not stated): gnomAD exomes 0.00461; gnomAD 0.02451; ExAC 0.01251; 1000 Genomes Project 30x 0.03795; ESP Exome Variant Server 0.02262.

Submissions (3):

CeGaT Center for Human Genetics Tuebingen
Classification: Likely benign. Last evaluated: 2026-05-01. Review status: criteria provided, single submitter. Criteria: CeGaT Center For Human Genetics Tuebingen Variant Classification Criteria Version 2. Collection method: clinical testing. Allele origin: germline. Affected: yes. Observed: 6 variant alleles.
Comment: FCGR1A: BP4, BP7

Labcorp Genetics (formerly Invitae), Labcorp
Classification: Likely benign. Last evaluated: 2018-05-18. Review status: criteria provided, single submitter. Criteria: Invitae Variant Classification Sherloc (09022015). Collection method: clinical testing. Allele origin: germline.

Breakthrough Genomics
Classification: Likely benign. Review status: criteria provided, single submitter. Criteria: ACMG Guidelines, 2015. Collection method: not provided. Allele origin: germline. Inheritance: Unknown mechanism. Affected: yes.

NM_000566.4(FCGR1A):c.21G>A (p.Leu7=)

Genes: FCGR1A (Fc gamma receptor Ia; plus strand), H2BC18 (H2B clustered histone 18; minus strand). Cytogenetic location: 1q21.2.
Variant type: single nucleotide variant.
Coding change: c.21G>A on transcript NM_000566.4 (MANE Select); coding-DNA position 21, G replaced by A.
Protein change: p.Leu7=; no amino-acid change (leucine 7 retained).
Molecular consequence: synonymous variant. On other transcripts: 5 prime UTR variant (1), non-coding transcript variant (3), 3 prime UTR variant (1).
Genome position (GRCh38, 1-based): chr1:149,782,764, G>A. VCF-style: chr1-149782764-G-A. GRCh37 (hg19) VCF-style: chr1-149754320-G-A.
Other names: c.21G>A, p.Leu7= (NM_001378804.1, NM_001378805.1, NM_001378806.1 and 4 more transcripts); c.-20G>A (NM_001378807.1); c.*469C>T (NM_001161334.2).
Identifiers: ClinVar variation 769529 (VCV000769529.13), dbSNP rs141598661, ClinGen allele CA1069519.
Genomic context (GRCh38, chr1:149,782,764, plus strand): 5'-ATGTTACAGATTTCACTGCTCCCACCAGCTTGGAGACAACATGTGGTTCTTGACAACTCT[G>A]CTCCTTTGGGGTAAGTTGGACTCAGAGGGGACAGTTAGAAGGGTACAGGCTGTGGCTGTT-3'
Protein context (NP_000557.1, residues 1-17): MWFLTT[Leu7=]LLWVPVDGQV